The following is an entry in ClinVar:

ClinVar aggregate classification (germline): Pathogenic (1 of 4 stars; one submission).

Submission:

Labcorp Genetics (formerly Invitae), Labcorp
Classification: Pathogenic. Last evaluated: 2022-07-12. Review status: criteria provided, single submitter. Criteria: Invitae Variant Classification Sherloc (09022015). Collection method: clinical testing. Allele origin: germline.
Comment: For these reasons, this variant has been classified as Pathogenic. Algorithms developed to predict the effect of sequence changes on RNA splicing suggest that this variant may create or strengthen a splice site. ClinVar contains an entry for this variant (Variation ID: 1451301). This variant has not been reported in the literature in individuals affected with COL27A1-related conditions. This variant is not present in population databases (gnomAD no frequency). This sequence change creates a premature translational stop signal (p.Ala458Valfs*7) in the COL27A1 gene. It is expected to result in an absent or disrupted protein product. Loss-of-function variants in COL27A1 are known to be pathogenic (PMID: 24986830, 28276056).

Literature cited by the submitters: PubMed 24986830; PubMed 28276056.

NM_032888.4(COL27A1):c.1373del (p.Ala458fs)

Gene: COL27A1 (collagen type XXVII alpha 1 chain; plus strand). Cytogenetic location: 9q32.
Variant type: Deletion.
Coding change: c.1373del on transcript NM_032888.4 (MANE Select); coding-DNA position 1373, one base deleted (C; older notation c.1373delC).
Protein change: p.Ala458fs; shifts the reading frame from alanine 458.
Molecular consequence: frameshift variant.
Genome position (GRCh38, 1-based): chr9:114,168,928, C deleted. VCF-style (leftmost placement, unchanged base first): chr9-114168927-GC-G. GRCh37 (hg19) VCF-style: chr9-116931207-GC-G.
Other names: short protein forms A458fs.
Identifiers: ClinVar variation 1451301 (VCV001451301.6), dbSNP rs2135083222, ClinGen allele CA2573143807.